The following is an entry in ClinVar:

NM_001379500.1(COL18A1):c.1339C>T (p.Pro447Ser)

Gene: COL18A1 (collagen type XVIII alpha 1 chain; plus strand). Cytogenetic location: 21q22.3.
Variant type: single nucleotide variant.
Coding change: c.1339C>T on transcript NM_001379500.1 (MANE Select); coding-DNA position 1339, C replaced by T.
Protein change: p.Pro447Ser; replaces proline 447 with serine.
Molecular consequence: missense variant.
Genome position (GRCh38, 1-based): chr21:45,480,097, C>T. VCF-style: chr21-45480097-C-T. GRCh37 (hg19) VCF-style: chr21-46900011-C-T.
Other names: c.1879C>T, p.Pro627Ser (NM_030582.4); c.2584C>T, p.Pro862Ser (NM_130444.3); short protein forms P627S, P862S, P447S.
Identifiers: ClinVar variation 1963132 (VCV001963132.5), dbSNP rs2035840390, ClinGen allele CA410516947.
Genomic context (GRCh38, chr21:45,480,097, plus strand): 5'-CCAGGGTATGATAGGCTTGTCTTGTGTTCCCAGGGAGACCCTGGGGTTGGAGAGAGAGGG[C>T]CCCCAGGACCCCAAGGGCCTCCAGGGCCCCCAGGACCCTCCTTCAGACACGACAAGCTGG-3'
Protein context (NP_001366429.1, residues 437-457): KGDPGVGERG[Pro447Ser]PGPQGPPGPP

ClinVar aggregate classification (germline): Uncertain significance (1 of 4 stars; one submission).

Allele frequency attached by ClinVar (database versions not stated): TOPMed below 0.00001.

Submission:

Labcorp Genetics (formerly Invitae), Labcorp
Classification: Uncertain significance. Last evaluated: 2023-12-11. Review status: criteria provided, single submitter. Criteria: Invitae Variant Classification Sherloc (09022015). Collection method: clinical testing. Allele origin: germline.
Comment: This sequence change replaces proline, which is neutral and non-polar, with serine, which is neutral and polar, at codon 447 of the COL18A1 protein (p.Pro447Ser). This variant is not present in population databases (gnomAD no frequency). This variant has not been reported in the literature in individuals affected with COL18A1-related conditions. ClinVar contains an entry for this variant (Variation ID: 1963132). Experimental studies and prediction algorithms are not available or were not evaluated, and the functional significance of this variant is currently unknown. In summary, the available evidence is currently insufficient to determine the role of this variant in disease. Therefore, it has been classified as a Variant of Uncertain Significance.